The following is an entry in ClinVar:

NM_030665.4(RAI1):c.3558A>G (p.Thr1186=)

Gene: RAI1 (retinoic acid induced 1; plus strand). Cytogenetic location: 17p11.2.
Variant type: single nucleotide variant.
Coding change: c.3558A>G on transcript NM_030665.4 (MANE Select); coding-DNA position 3558, A replaced by G.
Protein change: p.Thr1186=; no amino-acid change (threonine 1186 retained).
Molecular consequence: synonymous variant.
Genome position (GRCh38, 1-based): chr17:17,796,506, A>G. VCF-style: chr17-17796506-A-G. GRCh37 (hg19) VCF-style: chr17-17699820-A-G.
Identifiers: ClinVar variation 589604 (VCV000589604.15), dbSNP rs148777704, ClinGen allele CA8418753.
Genomic context (GRCh38, chr17:17,796,506, plus strand): 5'-CCGGCTCCCCAACTGCCGTGCCACCAAGAAGCTCCTCGACAACAGCCACTTGCCCGCCAC[A>G]TTCAAGGTCTCCAGCAGCCCCCAGAAGGAGGGCAGGGTGAGCCAGCGGGCAAGGGTCCCC-3'
Protein context (NP_109590.3, residues 1176-1196): KLLDNSHLPA[Thr1186=]FKVSSSPQKE

ClinVar aggregate classification (germline): Likely benign. Review status: criteria provided, multiple submitters, no conflicts (2 of 4 stars). 3 submissions from 3 submitters: Likely benign (2). 1 of the submissions does not count toward it. Last evaluated 2025-07-02.

Conditions:
RAI1-related disorder. Also called: RAI1-related condition.
Inborn genetic diseases. Identifiers: MedGen C0950123, MeSH D030342.

Allele frequency attached by ClinVar (database versions not stated): ExAC 0.00002; TOPMed 0.00002; gnomAD 0.00003 and 0.00004; gnomAD exomes 0.00003 and 0.00008; ESP Exome Variant Server 0.00015.
gnomAD v4.1: 123 of 1,611,146 alleles (0.0076%); highest among the groups gnomAD compares: Non-Finnish European, 0.01%; no homozygotes.

Submissions (3):

Labcorp Genetics (formerly Invitae), Labcorp
Classification: Likely benign. Last evaluated: 2025-07-02. Review status: criteria provided, single submitter. Criteria: Invitae Variant Classification Sherloc (09022015). Collection method: clinical testing. Allele origin: germline.

Ambry Genetics
Classification: Likely benign for Inborn genetic diseases. Last evaluated: 2017-04-11. Review status: criteria provided, single submitter. Criteria: Ambry Variant Classification Scheme 2023. Collection method: clinical testing. Allele origin: germline.

PreventionGenetics, part of Exact Sciences
Classification: Likely benign for RAI1-related condition. Last evaluated: 2022-04-07. Review status: no assertion criteria provided. Collection method: clinical testing. Allele origin: germline. Not counted in ClinVar's aggregate classification.
Comment: This variant is classified as likely benign based on ACMG/AMP sequence variant interpretation guidelines (Richards et al. 2015 PMID: 25741868, with internal and published modifications).